The following is an entry in ClinVar:

NM_005045.4(RELN):c.6761G>A (p.Gly2254Asp)

Gene: RELN (reelin; minus strand). Cytogenetic location: 7q22.1.
Variant type: single nucleotide variant.
Coding change: c.6761G>A on transcript NM_005045.4 (MANE Select); coding-DNA position 6761, G replaced by A.
Protein change: p.Gly2254Asp; replaces glycine 2254 with aspartic acid.
Molecular consequence: missense variant.
Genome position (GRCh38, 1-based): chr7:103,540,366, C>T on the plus strand (G>A on the coding strand, the complement: RELN is on the minus strand). VCF-style: chr7-103540366-C-T. GRCh37 (hg19) VCF-style: chr7-103180813-C-T.
Other names: c.6761G>A, p.Gly2254Asp (NM_173054.3); short protein forms G2254D.
Identifiers: ClinVar variation 3368461 (VCV003368461.1).

ClinVar aggregate classification (germline): Uncertain significance (1 of 4 stars; one submission).

Submission:

GeneDx
Classification: Uncertain significance. Last evaluated: 2024-01-26. Review status: criteria provided, single submitter. Criteria: GeneDx Variant Classification Process June 2021. Collection method: clinical testing. Allele origin: germline. Affected: yes.
Comment: Not observed at significant frequency in large population cohorts (gnomAD); In silico analysis supports that this missense variant has a deleterious effect on protein structure/function; Has not been previously published as pathogenic or benign to our knowledge